The following is an entry in ClinVar:

ClinVar aggregate classification (germline): Pathogenic/Likely pathogenic. Review status: criteria provided, multiple submitters, no conflicts (2 of 4 stars). 8 submissions from 8 submitters: Pathogenic (6); Likely pathogenic (1). 1 of the submissions does not count toward it. Last evaluated 2026-01-09.

Conditions:
KPTN-related disorder. Also called: KPTN-related condition. Identifiers: MedGen CN381532.
Macrocephaly-developmental delay syndrome (MRT41). Also called: INTELLECTUAL DEVELOPMENTAL DISORDER, AUTOSOMAL RECESSIVE 41. Identifiers: Orphanet 397612, MedGen C3810225, MONDO:0014289, OMIM 615637.

Allele frequency attached by ClinVar (database versions not stated): ESP Exome Variant Server 0.00009; gnomAD 0.00009 and 0.00010; TOPMed 0.00010; gnomAD exomes 0.00011 and 0.00012; ExAC 0.00012.

Submissions (8):

PreventionGenetics, part of Exact Sciences
Classification: Pathogenic for KPTN-related condition. Last evaluated: 2026-01-09. Review status: criteria provided, single submitter. Criteria: ACMG Guidelines, 2015. Collection method: clinical testing. Allele origin: germline.
Comment: The KPTN c.597_598dupTA variant is predicted to result in a frameshift and premature protein termination (p.Ser200Ilefs*55). This variant has been reported in the homozygous or compound heterozygous state in four unrelated individuals with a variety of KPTN-associated neurodevelopmental conditions (Lucena et al. 2020. PubMed ID: 31999056; Benson et al. 2020. PubMed ID: 32238909; Pacio Miguez et al. 2020. PubMed ID: 32808430; Horn et al. 2023. PubMed ID: 36703628). This variant is reported in 0.019% of alleles in individuals of European (non-Finnish) descent in gnomAD. Frameshift variants in KPTN are expected to be pathogenic. This variant is interpreted as pathogenic.

GeneDx
Classification: Pathogenic. Last evaluated: 2024-04-26. Review status: criteria provided, single submitter. Criteria: GeneDx Variant Classification Process June 2021. Collection method: clinical testing. Allele origin: germline. Affected: yes.
Comment: Frameshift variant predicted to result in protein truncation or nonsense mediated decay in a gene for which loss-of-function is a known mechanism of disease; This variant is associated with the following publications: (PMID: 26633542, 31980526, 32238909, 32808430, 32358097, 31999056)

CeGaT Center for Human Genetics Tuebingen
Classification: Pathogenic. Last evaluated: 2023-07-01. Review status: criteria provided, single submitter. Criteria: CeGaT Center For Human Genetics Tuebingen Variant Classification Criteria Version 2. Collection method: clinical testing. Allele origin: germline. Affected: yes. Observed: 4 variant alleles.
Comment: KPTN: PVS1, PM2, PM3:Supporting

Labcorp Genetics (formerly Invitae), Labcorp
Classification: Pathogenic for Macrocephaly-developmental delay syndrome. Last evaluated: 2022-07-15. Review status: criteria provided, single submitter. Criteria: Invitae Variant Classification Sherloc (09022015). Collection method: clinical testing. Allele origin: germline.
Comment: For these reasons, this variant has been classified as Pathogenic. Algorithms developed to predict the effect of sequence changes on RNA splicing suggest that this variant may disrupt the consensus splice site. ClinVar contains an entry for this variant (Variation ID: 279826). This sequence change creates a premature translational stop signal (p.Ser200Ilefs*55) in the KPTN gene. It is expected to result in an absent or disrupted protein product. Loss-of-function variants in KPTN are known to be pathogenic (PMID: 24239382, 25847626). This variant is present in population databases (rs766372684, gnomAD 0.02%). This variant has not been reported in the literature in individuals affected with KPTN-related conditions.

New York Genome Center
Classification: Likely pathogenic for Macrocephaly-developmental delay syndrome. Last evaluated: 2022-01-28. Review status: criteria provided, single submitter. Criteria: NYGC Assertion Criteria 2020. Collection method: clinical testing. Allele origin: germline. Observed: 1 heterozygote. Study: CSER-NYCKidSeq.

Cavalleri Lab, Royal College of Surgeons in Ireland
Classification: Pathogenic for Macrocephaly-developmental delay syndrome. Last evaluated: 2019-12-11. Review status: criteria provided, single submitter. Criteria: ACMG Guidelines, 2015. Collection method: research. Allele origin: inherited. Inheritance: Autosomal recessive inheritance. Affected: yes.
Comment: ACMG evidence PVS1, PM3, PP3

Mendelics
Classification: Pathogenic for Macrocephaly-developmental delay syndrome. Last evaluated: 2019-05-28. Review status: criteria provided, single submitter. Criteria: Mendelics Assertion Criteria 2017. Collection method: clinical testing. Allele origin: unknown.

OMIM
Classification: Pathogenic for INTELLECTUAL DEVELOPMENTAL DISORDER, AUTOSOMAL RECESSIVE 41. Last evaluated: 2023-04-07. Review status: no assertion criteria provided. Collection method: literature only. Allele origin: germline. Not counted in ClinVar's aggregate classification.

Literature cited by the submitters: PubMed 24239382 (cited by Labcorp Genetics (formerly Invitae), Labcorp); PubMed 25847626 (cited by Labcorp Genetics (formerly Invitae), Labcorp); PubMed 32238909 (cited by Cavalleri Lab, Royal College of Surgeons in Ireland); PubMed 32808430 (cited by OMIM).

NM_007059.4(KPTN):c.597_598dup (p.Ser200fs)

Gene: KPTN (kaptin, actin binding protein; minus strand). Cytogenetic location: 19q13.32.
Variant type: Duplication.
Coding change: c.597_598dup on transcript NM_007059.4 (MANE Select); coding-DNA positions 597 to 598, 2 bases duplicated (TA; older notation c.597_598dupTA).
Protein change: p.Ser200fs; shifts the reading frame from serine 200.
Molecular consequence: frameshift variant.
Genome position (GRCh38, 1-based): chr19:47,480,761-47,480,762, TA duplicated on the plus strand (TA on the coding strand, the reverse complement: KPTN is on the minus strand). VCF-style (leftmost placement, unchanged base first): chr19-47480760-C-CTA. GRCh37 (hg19) VCF-style: chr19-47984017-C-CTA.
Other names: c.597_598dup (NM_007059.3); c.429_430dup, p.Ser144fs (NM_001291296.2); c.598_599insTA (NM_007059.4); short protein forms S200fs, S144fs.
Identifiers: ClinVar variation 279826 (VCV000279826.52), dbSNP rs766372684, ClinGen allele CA9540386.